The following is an entry in ClinVar:

NM_000218.3(KCNQ1):c.1514+15479C>T

Genes: KCNQ1 (potassium voltage-gated channel subfamily Q member 1; plus strand), KCNQ1OT1 (KCNQ1 opposite strand/antisense transcript 1; minus strand). Cytogenetic location: 11p15.5.
Variant type: single nucleotide variant.
Coding change: c.1514+15479C>T on transcript NM_000218.3 (MANE Select); 15479 bases into the intron after coding-DNA position 1514, C replaced by T.
Molecular consequence: intron variant. On other transcripts: non-coding transcript variant (1).
Genome position (GRCh38, 1-based): chr11:2,677,560, C>T. VCF-style: chr11-2677560-C-T. GRCh37 (hg19) VCF-style: chr11-2698790-C-T.
Other names: c.1244+15479C>T (NM_001406837.1); c.1418+15479C>T (NM_001406836.1); c.974+15479C>T (NM_001406838.1); c.1133+15479C>T (NM_181798.2).
Identifiers: ClinVar variation 3028932 (VCV003028932.2), dbSNP rs184509407, ClinGen allele CA216182428.

ClinVar aggregate classification (germline): Likely benign (0 of 4 stars; one submission).

Conditions:
KCNQ1-related disorder. Also called: KCNQ1-related disorders; KCNQ1-related condition. Identifiers: MedGen CN239322.

Allele frequency attached by ClinVar (database versions not stated): gnomAD 0.00011; TOPMed 0.00016; gnomAD exomes 0.00018; 1000 Genomes Project 0.00040; 1000 Genomes Project 30x 0.00062.
gnomAD v4.1: 61 of 398,550 alleles (0.015%); highest among the groups gnomAD compares: East Asian, 0.2%; no homozygotes.

Submission:

PreventionGenetics, part of Exact Sciences
Classification: Likely benign for KCNQ1-related condition. Last evaluated: 2023-01-10. Review status: no assertion criteria provided. Collection method: clinical testing. Allele origin: germline.
Comment: This variant is classified as likely benign based on ACMG/AMP sequence variant interpretation guidelines (Richards et al. 2015 PMID: 25741868, with internal and published modifications).